The following is an entry in ClinVar:

NM_001205293.3(CACNA1E):c.5786+3G>A

Gene: CACNA1E (calcium voltage-gated channel subunit alpha1 E; plus strand). Cytogenetic location: 1q25.3.
Variant type: single nucleotide variant.
Coding change: c.5786+3G>A on transcript NM_001205293.3 (MANE Select); 3 bases into the intron after coding-DNA position 5786, G replaced by A.
Molecular consequence: intron variant.
Genome position (GRCh38, 1-based): chr1:181,785,822, G>A. VCF-style: chr1-181785822-G-A. GRCh37 (hg19) VCF-style: chr1-181754958-G-A.
Other names: c.5786+3G>A (NM_000721.4); c.5729+3G>A (NM_001205294.2).
Identifiers: ClinVar variation 1525475 (VCV001525475.7), dbSNP rs1482680946, ClinGen allele CA527234579.
Genomic context (GRCh38, chr1:181,785,822, plus strand): 5'-AGATCATTGCTAATGCCAAAGCCCTGCCTTACCTCCAGCAGGACCCCGTTTCAGGCCTGT[G>A]AGTAGCACCAAAACATCCCTGGCATGGCTGTTTGCAATCTGTCACCCATGCTGTTGTGCA-3'

ClinVar aggregate classification (germline): Conflicting classifications of pathogenicity. Review status: criteria provided, conflicting classifications (1 of 4 stars). 2 submissions from 2 submitters: Uncertain significance (1); Likely benign (1). Last evaluated 2024-09-03.

Allele frequency attached by ClinVar (database versions not stated): gnomAD exomes 0.00002 and 0.00008; TOPMed 0.00002; gnomAD 0.00003.
gnomAD v4.1: 117 of 1,584,440 alleles (0.0074%); highest among the groups gnomAD compares: Non-Finnish European, 0.01%; no homozygotes.

Submissions (2):

Labcorp Genetics (formerly Invitae), Labcorp
Classification: Uncertain significance. Last evaluated: 2024-09-03. Review status: criteria provided, single submitter. Criteria: Invitae Variant Classification Sherloc (09022015). Collection method: clinical testing. Allele origin: germline.
Comment: This sequence change falls in intron 43 of the CACNA1E gene. It does not directly change the encoded amino acid sequence of the CACNA1E protein. It affects a nucleotide within the consensus splice site. This variant is present in population databases (no rsID available, gnomAD 0.005%). This variant has not been reported in the literature in individuals affected with CACNA1E-related conditions. ClinVar contains an entry for this variant (Variation ID: 1525475). Variants that disrupt the consensus splice site are a relatively common cause of aberrant splicing (PMID: 17576681, 9536098). Algorithms developed to predict the effect of sequence changes on RNA splicing suggest that this variant is not likely to affect RNA splicing. In summary, the available evidence is currently insufficient to determine the role of this variant in disease. Therefore, it has been classified as a Variant of Uncertain Significance.

Blueprint Genetics
Classification: Likely benign. Last evaluated: 2023-08-01. Review status: criteria provided, single submitter. Criteria: ACMG Guidelines, 2015. Collection method: clinical testing. Allele origin: germline.

Literature cited by the submitters: PubMed 17576681 (cited by Labcorp Genetics (formerly Invitae), Labcorp); PubMed 9536098 (cited by Labcorp Genetics (formerly Invitae), Labcorp).